The following is an entry in ClinVar:

NM_000384.3(APOB):c.3641A>G (p.His1214Arg)

Gene: APOB (apolipoprotein B; minus strand). Cytogenetic location: 2p24.1.
Variant type: single nucleotide variant.
Coding change: c.3641A>G on transcript NM_000384.3 (MANE Select); coding-DNA position 3641, A replaced by G.
Protein change: p.His1214Arg; replaces histidine 1214 with arginine.
Molecular consequence: missense variant.
Genome position (GRCh38, 1-based): chr2:21,015,128, T>C on the plus strand (A>G on the coding strand, the complement: APOB is on the minus strand). VCF-style: chr2-21015128-T-C. GRCh37 (hg19) VCF-style: chr2-21238000-T-C.
Other names: short protein forms H1214R.
Identifiers: ClinVar variation 2565857 (VCV002565857.2), dbSNP rs1663431588, ClinGen allele CA346008619.
Genomic context (GRCh38, chr2:21,015,128, plus strand): 5'-CTTACAACTATTAATTTGGAACCCACGTGCCGGAAAGTCATGTCTGTTTGAGGGACTCTG[T>C]GATCCAGGAGTCTATTAGCATACATATGCAAGCTCTTAGGATAATCGGAGAGATCCACAG-3'
Protein context (NP_000375.3, residues 1204-1224): LHMYANRLLD[His1214Arg]RVPQTDMTFR

ClinVar aggregate classification (germline): Uncertain significance (1 of 4 stars; one submission).

Conditions:
Cardiovascular phenotype. Identifiers: MedGen CN230736.

Allele frequency attached by ClinVar (database versions not stated): TOPMed below 0.00001; gnomAD 0.00001.
gnomAD v4.1: 1 of 1,614,134 alleles (0.000062%); highest among the groups gnomAD compares: Non-Finnish European, 0.000085%; no homozygotes.

Submission:

Ambry Genetics
Classification: Uncertain significance for Cardiovascular phenotype. Last evaluated: 2023-05-11. Review status: criteria provided, single submitter. Criteria: Ambry Variant Classification Scheme 2023. Collection method: clinical testing. Allele origin: germline.
Comment: The p.H1214R variant (also known as c.3641A>G), located in coding exon 23 of the APOB gene, results from an A to G substitution at nucleotide position 3641. The histidine at codon 1214 is replaced by arginine, an amino acid with highly similar properties. This amino acid position is conserved. In addition, this alteration is predicted to be tolerated by in silico analysis. Since supporting evidence is limited at this time, the clinical significance of this alteration remains unclear.